The following is an entry in ClinVar:

ClinVar aggregate classification (germline): Conflicting classifications of pathogenicity. Review status: criteria provided, conflicting classifications (1 of 4 stars). 4 submissions from 4 submitters: Uncertain significance (3); Likely benign (1). Last evaluated 2025-09-09.

Conditions:
Inborn genetic diseases. Identifiers: MedGen C0950123, MeSH D030342.
NDUFAF3-related disorder. Also called: NDUFAF3-related condition.
Mitochondrial complex I deficiency, nuclear type 1. Also called: NADH-COENZYME Q REDUCTASE DEFICIENCY; MITOCHONDRIAL NADH DEHYDROGENASE COMPONENT OF COMPLEX I, DEFICIENCY OF. Identifiers: MedGen C6022305, MONDO:0100224, OMIM 252010.

Allele frequency attached by ClinVar (database versions not stated): gnomAD 0.00012; gnomAD exomes 0.00013; TOPMed 0.00013; ExAC 0.00015; 1000 Genomes Project 30x 0.00078; 1000 Genomes Project 0.04034.
gnomAD v4.1: 228 of 1,612,636 alleles (0.014%); highest among the groups gnomAD compares: Non-Finnish European, 0.017%; no homozygotes.

Submissions (4):

PreventionGenetics, part of Exact Sciences
Classification: Uncertain significance for NDUFAF3-related condition. Last evaluated: 2025-09-09. Review status: criteria provided, single submitter. Criteria: ACMG Guidelines, 2015. Collection method: clinical testing. Allele origin: germline.
Comment: The NDUFAF3 c.191A>C variant is predicted to result in the amino acid substitution p.Asn64Thr. To our knowledge, this variant has not been reported in the literature. This variant is reported in 0.018% of alleles in individuals of European (Non-Finnish) descent in gnomAD. At this time, the clinical significance of this variant is uncertain due to the absence of conclusive functional and genetic evidence.

Ambry Genetics
Classification: Likely benign for Inborn genetic diseases. Last evaluated: 2025-08-04. Review status: criteria provided, single submitter. Criteria: Ambry Variant Classification Scheme 2023. Collection method: clinical testing. Allele origin: germline.

Labcorp Genetics (formerly Invitae), Labcorp
Classification: Uncertain significance. Last evaluated: 2024-02-24. Review status: criteria provided, single submitter. Criteria: Invitae Variant Classification Sherloc (09022015). Collection method: clinical testing. Allele origin: germline.
Comment: This sequence change replaces asparagine, which is neutral and polar, with threonine, which is neutral and polar, at codon 64 of the NDUFAF3 protein (p.Asn64Thr). This variant is present in population databases (rs199504381, gnomAD 0.02%). This variant has not been reported in the literature in individuals affected with NDUFAF3-related conditions. ClinVar contains an entry for this variant (Variation ID: 902657). An algorithm developed to predict the effect of missense changes on protein structure and function (PolyPhen-2) suggests that this variant¬†is likely to be tolerated. In summary, the available evidence is currently insufficient to determine the role of this variant in disease. Therefore, it has been classified as a Variant of Uncertain Significance.

Illumina Laboratory Services, Illumina
Classification: Uncertain significance for Mitochondrial complex I deficiency, nuclear type 1. Last evaluated: 2018-01-13. Review status: criteria provided, single submitter. Criteria: ICSL Variant Classification Criteria 13 December 2019. Collection method: clinical testing. Allele origin: germline.

NM_199069.2(NDUFAF3):c.191A>C (p.Asn64Thr)

Gene: NDUFAF3 (NADH:ubiquinone oxidoreductase complex assembly factor 3; plus strand). Cytogenetic location: 3p21.31.
Variant type: single nucleotide variant.
Coding change: c.191A>C on transcript NM_199069.2 (MANE Select); coding-DNA position 191, A replaced by C.
Protein change: p.Asn64Thr; replaces asparagine 64 with threonine.
Molecular consequence: missense variant.
Genome position (GRCh38, 1-based): chr3:49,022,459, A>C. VCF-style: chr3-49022459-A-C. GRCh37 (hg19) VCF-style: chr3-49059892-A-C.
Other names: c.20A>C, p.Asn7Thr (NM_199070.2, NM_199073.2, NM_199074.2); short protein forms N64T, N7T.
Identifiers: ClinVar variation 902657 (VCV000902657.8), dbSNP rs199504381, ClinGen allele CA2390209.
Genomic context (GRCh38, chr3:49,022,459, plus strand): 5'-GGACGCGCATCTCTCTGCTGCAACGCGAGGCCGCTCAGGCAATGTACATCGACAGCTACA[A>C]CAGCCGCGGCTTCATGATAAACGGAAACCGCGTGCTCGGCCCCTGCGCTCTGCTCCCGCA-3'
Protein context (NP_951032.1, residues 54-74): AAQAMYIDSY[Asn64Thr]SRGFMINGNR